The following is an entry in ClinVar:

ClinVar aggregate classification (germline): Conflicting classifications of pathogenicity. Review status: criteria provided, conflicting classifications (1 of 4 stars). 5 submissions from 5 submitters: Pathogenic (1); Likely pathogenic (2); Uncertain significance (1). 1 of the submissions does not count toward it. Last evaluated 2025-12-11.

Conditions:
Microcephaly 13, primary, autosomal recessive. Identifiers: Orphanet 808, MedGen C4015080, MONDO:0014473, OMIM 616051.

Allele frequency attached by ClinVar (database versions not stated): ESP Exome Variant Server 0.00008; TOPMed 0.00024; 1000 Genomes Project 0.00040; 1000 Genomes Project 30x 0.00047.
gnomAD v4.1: 307 of 1,612,584 alleles (0.019%); highest among the groups gnomAD compares: Admixed American, 0.027%; no homozygotes.

Submissions (5):

Women's Health and Genetics/Laboratory Corporation of America, LabCorp
Classification: Uncertain significance. Last evaluated: 2025-12-11. Review status: criteria provided, single submitter. Criteria: LabCorp Variant Classification Summary - May 2015. Collection method: clinical testing. Allele origin: germline.
Comment: Variant summary: CENPE c.2797G>A (p.Asp933Asn) results in a conservative amino acid change in the encoded protein sequence. Algorithms developed to predict the effect of missense changes on protein structure and function all suggest that this variant is likely to be tolerated. The variant allele was found at a frequency of 0.00013 in 250284 control chromosomes (gnomAD). This frequency is not significantly higher than estimated for disease-causing variants in CENPE, allowing no conclusion about variant significance. c.2797G>A has been observed in the compound heterozygous state in two siblings affected with microcephalic primordial dwarfism (Mirzaa_2014). These data indicate that the variant may be associated with disease. At least one publication reports experimental evidence evaluating an impact on protein function, however, does not allow convincing conclusions about the variant effect (Mirzaa_2014). The following publication have been ascertained in the context of this evaluation (PMID: 24748105). ClinVar contains an entry for this variant (Variation ID: 157497). Based on the evidence outlined above, the variant was classified as VUS-possibly pathogenic.

3billion
Classification: Pathogenic for Microcephaly 13, primary, autosomal recessive. Last evaluated: 2023-06-12. Review status: criteria provided, single submitter. Criteria: ACMG Guidelines, 2015. Collection method: clinical testing. Allele origin: germline. Affected: yes.
Comment: The variant is observed at an extremely low frequency in the gnomAD v2.1.1 dataset (total allele frequency: 0.012%). Predicted Consequence/Location: Missense variant Functional studies provide supporting evidence of the variant having a damaging effect on the gene or gene product (PMID: 24748105). In silico tool predictions suggest damaging effect of the variant on gene or gene product (REVEL: 0.63; 3Cnet: 0.02). Same nucleotide change resulting in same amino acid change has been previously reported as pathogenic/likely pathogenic with strong evidence (ClinVar ID: VCV000157497 /PMID: 24748105). The variant has been reported to be in trans with a pathogenic variant as either compound heterozygous or homozygous in at least one similarly affected unrelated individual (PMID: 24748105). Therefore, this variant is classified as Pathogenic according to the recommendation of ACMG/AMP guideline.

Fulgent Genetics
Classification: Likely pathogenic for Microcephaly 13, primary, autosomal recessive. Last evaluated: 2018-10-31. Review status: criteria provided, single submitter. Criteria: ACMG Guidelines, 2015. Collection method: clinical testing. Allele origin: unknown.

GeneDx
Classification: Likely pathogenic. Last evaluated: 2018-10-11. Review status: criteria provided, single submitter. Criteria: GeneDx Variant Classification (06012015). Collection method: clinical testing. Allele origin: germline. Affected: yes.
Comment: The D933N variant in the CENPE gene has been reported previously in the compound heterozygous state in two siblings with marked microcephaly, growth failure, developmental delay, and facial dysmorphism (Mirzaa et al., 2014). The D933N variant is observed in 10/34250 (0.029%) alleles from individuals of Latino background in large population cohorts, and no individuals are reported to be homozygous (Lek et al., 2016). The D933N variant is a semi-conservative amino acid substitution. Functional characterization of the D933N variant indicates that this variant induces mitotic spindle abnormalities and results in an increased frequency of polar chromosomes (Mirzaa et al., 2014). We interpret D933N as a likely pathogenic variant.

OMIM
Classification: Pathogenic for MICROCEPHALY 13, PRIMARY, AUTOSOMAL RECESSIVE (1 family). Last evaluated: 2014-08-01. Review status: no assertion criteria provided. Collection method: literature only. Allele origin: germline. Not counted in ClinVar's aggregate classification.

Literature cited by the submitters: PubMed 24748105 (cited by 3 submitters).

NM_001813.3(CENPE):c.2797G>A (p.Asp933Asn)

Gene: CENPE (centromere protein E; minus strand). Cytogenetic location: 4q24.
Variant type: single nucleotide variant.
Coding change: c.2797G>A on transcript NM_001813.3 (MANE Select); coding-DNA position 2797, G replaced by A.
Protein change: p.Asp933Asn; replaces aspartic acid 933 with asparagine.
Molecular consequence: missense variant.
Genome position (GRCh38, 1-based): chr4:103,158,691, C>T on the plus strand (G>A on the coding strand, the complement: CENPE is on the minus strand). VCF-style: chr4-103158691-C-T. GRCh37 (hg19) VCF-style: chr4-104079848-C-T.
Other names: c.2722G>A, p.Asp908Asn (NM_001286734.2); short protein forms D933N, D908N.
Identifiers: ClinVar variation 157497 (VCV000157497.6), dbSNP rs144716013, ClinGen allele CA210896.